The following is an entry in ClinVar:

ClinVar aggregate classification (germline): Uncertain significance. Review status: criteria provided, multiple submitters, no conflicts (2 of 4 stars). 2 submissions from 2 submitters: Uncertain significance (2). Last evaluated 2024-04-15.

Conditions:
Absence seizure. Also called: Absence epilepsy. Identifiers: Orphanet 1941, MedGen C0014553.
Myoclonic epilepsy, juvenile, susceptibility to, 1. Also called: Myoclonic Epilepsy, Juvenile, 1; EJM1. Identifiers: MedGen C1850778, MONDO:0020752, OMIM 254770.

Submissions (2):

Blueprint Genetics
Classification: Uncertain significance. Last evaluated: 2024-04-15. Review status: criteria provided, single submitter. Criteria: ACMG Guidelines, 2015. Collection method: clinical testing. Allele origin: germline.

Labcorp Genetics (formerly Invitae), Labcorp
Classification: Uncertain significance for Myoclonic epilepsy, juvenile, susceptibility to, 1; Absence seizure. Last evaluated: 2020-02-12. Review status: criteria provided, single submitter. Criteria: Invitae Variant Classification Sherloc (09022015). Collection method: clinical testing. Allele origin: germline.
Comment: This sequence change replaces serine with glycine at codon 130 of the EFHC1 protein (p.Ser130Gly). The serine residue is moderately conserved and there is a small physicochemical difference between serine and glycine. This variant is not present in population databases (ExAC no frequency). This variant has not been reported in the literature in individuals with EFHC1-related conditions. Algorithms developed to predict the effect of missense changes on protein structure and function are either unavailable or do not agree on the potential impact of this missense change (SIFT: "Deleterious"; PolyPhen-2: "Probably Damaging"; Align-GVGD: "Class C0"). In summary, the available evidence is currently insufficient to determine the role of this variant in disease. Therefore, it has been classified as a Variant of Uncertain Significance.

NM_018100.4(EFHC1):c.388A>G (p.Ser130Gly)

Gene: EFHC1 (EF-hand domain containing 1; plus strand). Cytogenetic location: 6p12.2.
Variant type: single nucleotide variant.
Coding change: c.388A>G on transcript NM_018100.4 (MANE Select); coding-DNA position 388, A replaced by G.
Protein change: p.Ser130Gly; replaces serine 130 with glycine.
Molecular consequence: missense variant. On other transcripts: non-coding transcript variant (1).
Genome position (GRCh38, 1-based): chr6:52,438,406, A>G. VCF-style: chr6-52438406-A-G. GRCh37 (hg19) VCF-style: chr6-52303204-A-G.
Other names: c.331A>G, p.Ser111Gly (NM_001172420.2); short protein forms S111G, S130G.
Identifiers: ClinVar variation 1019163 (VCV001019163.49), dbSNP rs1481620865, ClinGen allele CA364457864.